The following is an entry in ClinVar:

ClinVar aggregate classification (germline): Pathogenic (1 of 4 stars; one submission).

Submission:

GeneDx
Classification: Pathogenic. Last evaluated: 2019-01-22. Review status: criteria provided, single submitter. Criteria: GeneDx Variant Classification (06012015). Collection method: clinical testing. Allele origin: germline. Affected: yes.
Comment: The c.3528delC pathogenic variant in the HIVEP2 gene causes a frameshift starting with codon Tyrosine 1177, changes this amino acid to an Isoleucine residue and creates a premature Stop codon at position 2 of the new reading frame, denoted p.Tyr1177IlefsX2. This pathogenic variant is predicted to cause loss of normal protein function either through protein truncation or nonsense-mediated mRNA decay. The c.3528delC variant is not observed in large population cohorts (Lek et al., 2016). Although this pathogenic variant has not been previously reported to our knowledge, its presence is consistent with the diagnosis of a HIVEP2-related disorder in this individual.

NM_006734.4(HIVEP2):c.3528del (p.Tyr1177fs)

Gene: HIVEP2 (HIVEP zinc finger 2; minus strand). Cytogenetic location: 6q24.2.
Variant type: Deletion.
Coding change: c.3528del on transcript NM_006734.4 (MANE Select); coding-DNA position 3528, one base deleted (C; older notation c.3528delC).
Protein change: p.Tyr1177fs; shifts the reading frame from tyrosine 1177.
Molecular consequence: frameshift variant.
Genome position (GRCh38, 1-based): chr6:142,771,211, G deleted on the plus strand (C on the coding strand, the reverse complement: HIVEP2 is on the minus strand); the first of 2 consecutive G bases (chr6:142,771,211-142,771,212); deleting either gives the same sequence. VCF-style (leftmost placement, unchanged base first): chr6-142771210-AG-A. GRCh37 (hg19) VCF-style: chr6-143092347-AG-A.
Other names: short protein forms Y1177fs.
Identifiers: ClinVar variation 817430 (VCV000817430.1), dbSNP rs1582842042, ClinGen allele CA915944437.